The following is an entry in ClinVar:

NM_004055.5(CAPN5):c.64C>T (p.Arg22Cys)

Gene: CAPN5 (calpain 5; plus strand). Cytogenetic location: 11q13.5.
Variant type: single nucleotide variant.
Coding change: c.64C>T on transcript NM_004055.5 (MANE Select); coding-DNA position 64, C replaced by T.
Protein change: p.Arg22Cys; replaces arginine 22 with cysteine.
Molecular consequence: missense variant.
Genome position (GRCh38, 1-based): chr11:77,084,950, C>T. VCF-style: chr11-77084950-C-T. GRCh37 (hg19) VCF-style: chr11-76795996-C-T.
Other names: c.64C>T (NM_004055.4); short protein forms R22C.
Identifiers: ClinVar variation 1064369 (VCV001064369.12), dbSNP rs781837640, ClinGen allele CA6196087.

ClinVar aggregate classification (germline): Conflicting classifications of pathogenicity. Review status: criteria provided, conflicting classifications (1 of 4 stars). 4 submissions from 4 submitters: Uncertain significance (3); Likely benign (1). Last evaluated 2025-05-05.

Conditions:
Inborn genetic diseases. Identifiers: MedGen C0950123, MeSH D030342.

Allele frequency attached by ClinVar (database versions not stated): gnomAD exomes 0.00005 and 0.00008; ExAC 0.00006; gnomAD 0.00007; TOPMed 0.00007.

Submissions (4):

Labcorp Genetics (formerly Invitae), Labcorp
Classification: Uncertain significance. Last evaluated: 2025-05-05. Review status: criteria provided, single submitter. Criteria: Invitae Variant Classification Sherloc (09022015). Collection method: clinical testing. Allele origin: germline.
Comment: This sequence change replaces arginine, which is basic and polar, with cysteine, which is neutral and slightly polar, at codon 22 of the CAPN5 protein (p.Arg22Cys). This variant is present in population databases (rs781837640, gnomAD 0.05%), and has an allele count higher than expected for a pathogenic variant. This variant has not been reported in the literature in individuals affected with CAPN5-related conditions. ClinVar contains an entry for this variant (Variation ID: 1064369). Invitae Evidence Modeling of protein sequence and biophysical properties (such as structural, functional, and spatial information, amino acid conservation, physicochemical variation, residue mobility, and thermodynamic stability) indicates that this missense variant is not expected to disrupt CAPN5 protein function with a negative predictive value of 80%. In summary, the available evidence is currently insufficient to determine the role of this variant in disease. Therefore, it has been classified as a Variant of Uncertain Significance.

Ambry Genetics
Classification: Uncertain significance for Inborn genetic diseases. Last evaluated: 2023-08-19. Review status: criteria provided, single submitter. Criteria: Ambry Variant Classification Scheme 2023. Collection method: clinical testing. Allele origin: germline.

Blueprint Genetics
Classification: Likely benign. Last evaluated: 2022-03-14. Review status: criteria provided, single submitter. Criteria: ACMG Guidelines, 2015. Collection method: clinical testing. Allele origin: germline.

Breakthrough Genomics
Classification: Uncertain significance. Review status: criteria provided, single submitter. Criteria: ACMG Guidelines, 2015. Collection method: not provided. Allele origin: germline. Inheritance: Autosomal dominant inheritance. Affected: yes.